The following is an entry in ClinVar:

NM_017514.5(PLXNA3):c.549C>A (p.Ser183=)

Gene: PLXNA3 (plexin A3; plus strand). Cytogenetic location: Xq28.
Variant type: single nucleotide variant.
Coding change: c.549C>A on transcript NM_017514.5 (MANE Select); coding-DNA position 549, C replaced by A.
Protein change: p.Ser183=; no amino-acid change (serine 183 retained).
Molecular consequence: synonymous variant.
Genome position (GRCh38, 1-based): chrX:154,460,732, C>A. VCF-style: chrX-154460732-C-A. GRCh37 (hg19) VCF-style: chrX-153689072-C-A.
Identifiers: ClinVar variation 3061509 (VCV003061509.2), dbSNP rs201840250, ClinGen allele CA10563716.
Genomic context (GRCh38, chrX:154,460,732, plus strand): 5'-CAAGCTGTTTGTGGGCACTGCTGTCGACGGCAAGTCGGAGTACTTCCCCACCTTGAGCTC[C>A]CGCAAGCTCATCAGTGATGAAGACAGCGCGGACATGTTCAGTCTCGTGCGTGAGCCTTCC-3'
Protein context (NP_059984.3, residues 173-193): GKSEYFPTLS[Ser183=]RKLISDEDSA

ClinVar aggregate classification (germline): Likely benign (0 of 4 stars; one submission).

Conditions:
PLXNA3-related disorder. Also called: PLXNA3-related condition.

Allele frequency attached by ClinVar (database versions not stated): ExAC 0.00001; TOPMed 0.00001; gnomAD 0.00002; gnomAD exomes 0.00004.

Submission:

PreventionGenetics, part of Exact Sciences
Classification: Likely benign for PLXNA3-related condition. Last evaluated: 2022-06-08. Review status: no assertion criteria provided. Collection method: clinical testing. Allele origin: germline.
Comment: This variant is classified as likely benign based on ACMG/AMP sequence variant interpretation guidelines (Richards et al. 2015 PMID: 25741868, with internal and published modifications).